The following is an entry in ClinVar:

ClinVar aggregate classification (germline): Benign (1 of 4 stars; one submission).

Conditions:
DICER1-related tumor predisposition. Also called: DICER1 syndrome; DICER1-related pleuropulmonary blastoma cancer predisposition syndrome. Identifiers: Orphanet 284343, MedGen C3839822, MONDO:0100216.

Submission:

Myriad Genetics, Inc.
Classification: Benign for DICER1-related tumor predisposition. Last evaluated: 2026-08-18. Review status: criteria provided, single submitter. Criteria: Myriad Autosomal Dominant, Autosomal Recessive and X-Linked Classification Criteria (2023). Collection method: clinical testing. Allele origin: unknown.
Comment: This variant is considered benign. This variant is a silent/synonymous amino acid change and it is not expected to impact splicing.

NM_177438.3(DICER1):c.4833C>T (p.Asn1611=)

Gene: DICER1 (dicer 1, ribonuclease III; minus strand). Cytogenetic location: 14q32.13.
Variant type: single nucleotide variant.
Coding change: c.4833C>T on transcript NM_177438.3 (MANE Select); coding-DNA position 4833, C replaced by T.
Protein change: p.Asn1611=; no amino-acid change (asparagine 1611 retained).
Molecular consequence: synonymous variant. On other transcripts: non-coding transcript variant (6).
Genome position (GRCh38, 1-based): chr14:95,096,087, G>A on the plus strand (C>T on the coding strand, the complement: DICER1 is on the minus strand). VCF-style: chr14-95096087-G-A. GRCh37 (hg19) VCF-style: chr14-95562424-G-A.
Other names: c.4833C>T, p.Asn1611= (NM_001195573.1, NM_001271282.3, NM_001291628.2 and 12 more transcripts); c.4551C>T, p.Asn1517= (NM_001395686.1); c.4428C>T, p.Asn1476= (NM_001395687.1, NM_001395688.1, NM_001395689.1 and 2 more transcripts); c.4266C>T, p.Asn1422= (NM_001395691.1); c.3150C>T, p.Asn1050= (NM_001395697.1).
Identifiers: ClinVar variation 5042171 (VCV005042171.1).